The following is an entry in ClinVar:

NM_033064.5(ATCAY):c.*871T>G

Gene: ATCAY (ATCAY kinesin light chain interacting caytaxin; plus strand). Cytogenetic location: 19p13.3.
Variant type: single nucleotide variant.
Coding change: c.*871T>G on transcript NM_033064.5 (MANE Select); 871 bases downstream of the stop codon, T replaced by G.
Molecular consequence: 3 prime UTR variant.
Genome position (GRCh38, 1-based): chr19:3,925,463, T>G. VCF-style: chr19-3925463-T-G. GRCh37 (hg19) VCF-style: chr19-3925461-T-G.
Identifiers: ClinVar variation 892928 (VCV000892928.4), dbSNP rs183948049, ClinGen allele CA304405290.

ClinVar aggregate classification (germline): Likely benign (1 of 4 stars; one submission).

Conditions:
Cayman type cerebellar ataxia. Also called: Cayman ataxia. Identifiers: Orphanet 94122, MedGen C1832585, MONDO:0011025, OMIM 601238.

Allele frequency attached by ClinVar (database versions not stated): TOPMed 0.00337; gnomAD 0.00396 and 0.00419.

Submission:

Illumina Laboratory Services, Illumina
Classification: Likely benign for Cayman type cerebellar ataxia. Last evaluated: 2018-01-13. Review status: criteria provided, single submitter. Criteria: ICSL Variant Classification Criteria 13 December 2019. Collection method: clinical testing. Allele origin: germline.
Comment: This variant was observed in the ICSL laboratory as part of a predisposition screen in an ostensibly healthy population. It had not been previously curated by ICSL or reported in the Human Gene Mutation Database (HGMD: prior to June 1st, 2018), and was therefore a candidate for classification through an automated scoring system. Utilizing variant allele frequency, disease prevalence and penetrance estimates, and inheritance mode, an automated score was calculated to assess if this variant is too frequent to cause the disease. Based on the score and internal cut-off values, a variant classified as likely benign is not then subjected to further curation. The score for this variant resulted in a classification of likely benign for this disease.